The following is an entry in ClinVar:

NM_000747.3(CHRNB1):c.1355A>G (p.Asp452Gly)

Gene: CHRNB1 (cholinergic receptor nicotinic beta 1 subunit; plus strand). Cytogenetic location: 17p13.1.
Variant type: single nucleotide variant.
Coding change: c.1355A>G on transcript NM_000747.3 (MANE Select); coding-DNA position 1355, A replaced by G.
Protein change: p.Asp452Gly; replaces aspartic acid 452 with glycine.
Molecular consequence: missense variant.
Genome position (GRCh38, 1-based): chr17:7,455,931, A>G. VCF-style: chr17-7455931-A-G. GRCh37 (hg19) VCF-style: chr17-7359250-A-G.
Other names: short protein forms D452G.
Identifiers: ClinVar variation 2556146 (VCV002556146.3), dbSNP rs2069945600, ClinGen allele CA397802789.

ClinVar aggregate classification (germline): Uncertain significance. Review status: criteria provided, multiple submitters, no conflicts (2 of 4 stars). 2 submissions from 2 submitters: Uncertain significance (2). Last evaluated 2025-04-11.

Conditions:
Congenital myasthenic syndrome 2A. Also called: Myasthenic syndrome, congenital, 2a, slow-channel. Identifiers: Orphanet 590, MedGen C4225374, MONDO:0014581, OMIM 616313.
Inborn genetic diseases. Identifiers: MedGen C0950123, MeSH D030342.

Allele frequency attached by ClinVar (database versions not stated): gnomAD exomes below 0.00001; TOPMed below 0.00001.

Submissions (2):

Labcorp Genetics (formerly Invitae), Labcorp
Classification: Uncertain significance for Congenital myasthenic syndrome 2A. Last evaluated: 2025-04-11. Review status: criteria provided, single submitter. Criteria: Invitae Variant Classification Sherloc (09022015). Collection method: clinical testing. Allele origin: germline.
Comment: This sequence change replaces aspartic acid, which is acidic and polar, with glycine, which is neutral and non-polar, at codon 452 of the CHRNB1 protein (p.Asp452Gly). This variant is not present in population databases (gnomAD no frequency). This variant has not been reported in the literature in individuals affected with CHRNB1-related conditions. ClinVar contains an entry for this variant (Variation ID: 2556146). Invitae Evidence Modeling of protein sequence and biophysical properties (such as structural, functional, and spatial information, amino acid conservation, physicochemical variation, residue mobility, and thermodynamic stability) indicates that this missense variant is not expected to disrupt CHRNB1 protein function with a negative predictive value of 80%. In summary, the available evidence is currently insufficient to determine the role of this variant in disease. Therefore, it has been classified as a Variant of Uncertain Significance.

Ambry Genetics
Classification: Uncertain significance for Inborn genetic diseases. Last evaluated: 2023-06-02. Review status: criteria provided, single submitter. Criteria: Ambry Variant Classification Scheme 2023. Collection method: clinical testing. Allele origin: germline.